The following is an entry in ClinVar:

NM_000257.4(MYH7):c.2063T>C (p.Leu688Pro)

Gene: MYH7 (myosin heavy chain 7; minus strand). Cytogenetic location: 14q11.2.
Variant type: single nucleotide variant.
Coding change: c.2063T>C on transcript NM_000257.4 (MANE Select); coding-DNA position 2063, T replaced by C.
Protein change: p.Leu688Pro; replaces leucine 688 with proline.
Molecular consequence: missense variant.
Genome position (GRCh38, 1-based): chr14:23,426,063, A>G on the plus strand (T>C on the coding strand, the complement: MYH7 is on the minus strand). VCF-style: chr14-23426063-A-G. GRCh37 (hg19) VCF-style: chr14-23895272-A-G.
Other names: p.L688P:CTG>CCG; c.2063T>C (LRG_384t1); short protein forms L688P.
Identifiers: ClinVar variation 181172 (VCV000181172.4), dbSNP rs730880731, ClinGen allele CA011627.

ClinVar aggregate classification (germline): Conflicting classifications of pathogenicity. Review status: criteria provided, conflicting classifications (1 of 4 stars). 2 submissions from 2 submitters: Likely pathogenic (1); Uncertain significance (1). Last evaluated 2020-11-06.

Conditions:
Cardiovascular phenotype. Identifiers: MedGen CN230736.

Allele frequency attached by ClinVar (database versions not stated): gnomAD exomes below 0.00001.
gnomAD v4.1: 1 of 1,614,186 alleles (0.000062%); highest among the groups gnomAD compares: Non-Finnish European, 0.000085%; no homozygotes.

Submissions (2):

Ambry Genetics
Classification: Uncertain significance for Cardiovascular phenotype. Last evaluated: 2020-11-06. Review status: criteria provided, single submitter. Criteria: Ambry Variant Classification Scheme 2023. Collection method: clinical testing. Allele origin: germline.
Comment: The p.L688P variant (also known as c.2063T>C), located in coding exon 17 of the MYH7 gene, results from a T to C substitution at nucleotide position 2063. The leucine at codon 688 is replaced by proline, an amino acid with similar properties, and is located in the myosin head domain. This amino acid position is highly conserved in available vertebrate species. In addition, this alteration is predicted to be deleterious by in silico analysis. Since supporting evidence is limited at this time, the clinical significance of this alteration remains unclear.

GeneDx
Classification: Likely pathogenic. Last evaluated: 2014-06-24. Review status: criteria provided, single submitter. Criteria: GeneDx Variant Classification (06012015). Collection method: clinical testing. Allele origin: germline. Affected: yes.
Comment: p.Leu688Pro (CTG>CCG): c.2063 T>C in exon 19 of the MYH7 gene (NM_000257.2). It has not been published as a mutation, nor has it been reported as a benign polymorphism to our knowledge. The L688P variant was not observed in approximately 6,500 individuals of European and African American ancestry in the NHLBI Exome Sequencing Project, indicating it is not a common benign variant in these populations. The L688P variant is a semi-conservative amino acid substitution, which may impact secondary protein structure as these residues differ in some properties. This substitution occurs at a position that is conserved across species. In silico analysis predicts this variant is probably damaging to the protein structure/function. Morevoer, missense mutations in nearby residues (R694C, R694H, R694L, N696S, V698A) have been reported in association with HCM, supporting the functional importance of this region of the protein.Therefore, this variant is a strong candidate for a pathogenic mutation, however the possibility that it is a benign variant cannot be excluded. The variant is found in HCM panel(s).